The following is an entry in ClinVar:

ClinVar aggregate classification (germline): Conflicting classifications of pathogenicity. Review status: criteria provided, conflicting classifications (1 of 4 stars). 10 submissions from 10 submitters: Uncertain significance (6); Likely benign (2). 2 of the submissions do not count toward it. Last evaluated 2025-08-17.

Conditions:
Hereditary cancer-predisposing syndrome. Also called: Hereditary Cancer Syndrome; Hereditary neoplastic syndrome; Neoplastic Syndromes, Hereditary; Tumor predisposition. Identifiers: Orphanet 140162, MedGen C0027672, MeSH D009386, MONDO:0015356.
Chordoma. Identifiers: Orphanet 178, MedGen C0008487, MONDO:0008978, HP:0010762.
Familial cancer of breast. Also called: Hereditary breast cancer; BREAST CANCER, FAMILIAL; hereditary breast carcinoma. Identifiers: Orphanet 227535, MedGen C0346153, MONDO:0016419, OMIM 114480. Disease mechanism: loss of function.

Allele frequency attached by ClinVar (database versions not stated): gnomAD exomes 0.00001.
gnomAD v4.1: 14 of 1,608,772 alleles (0.00087%); highest among the groups gnomAD compares: Admixed American, 0.005%; no homozygotes.

Submissions (10):

Labcorp Genetics (formerly Invitae), Labcorp
Classification: Uncertain significance for Familial cancer of breast. Last evaluated: 2025-08-17. Review status: criteria provided, single submitter. Criteria: Invitae Variant Classification Sherloc (09022015). Collection method: clinical testing. Allele origin: germline.
Comment: This sequence change replaces isoleucine, which is neutral and non-polar, with valine, which is neutral and non-polar, at codon 1035 of the PALB2 protein (p.Ile1035Val). This variant is present in population databases (no rsID available, gnomAD 0.006%). This missense change has been observed in individual(s) with endometrial cancer, chordoma, and hereditary breast and ovarian cancer (PMID: 27443514, 34284872, 35762214). ClinVar contains an entry for this variant (Variation ID: 216750). Invitae Evidence Modeling of protein sequence and biophysical properties (such as structural, functional, and spatial information, amino acid conservation, physicochemical variation, residue mobility, and thermodynamic stability) indicates that this missense variant is not expected to disrupt PALB2 protein function with a negative predictive value of 80%. Experimental studies have shown that this missense change affects PALB2 function (PMID: 35762214). In summary, the available evidence is currently insufficient to determine the role of this variant in disease. Therefore, it has been classified as a Variant of Uncertain Significance.

Ambry Genetics
Classification: Likely benign for Hereditary cancer-predisposing syndrome. Last evaluated: 2024-12-02. Review status: criteria provided, single submitter. Criteria: Ambry Variant Classification Scheme 2023. Collection method: clinical testing. Allele origin: germline.

Quest Diagnostics Nichols Institute San Juan Capistrano
Classification: Uncertain significance. Last evaluated: 2024-08-13. Review status: criteria provided, single submitter. Criteria: Quest Diagnostics criteria. Collection method: clinical testing. Allele origin: unknown.
Comment: The PALB2 c.3103A>G (p.Ile1035Val) variant has been reported in the published literature in in individuals with ovarian cancer (PMID: 32546565 (2021)), endometrial cancer (PMID: 27443514 (2016)), breast cancer (PMID: 33471991 (2021), see also LOVD), chordoma (PMID: 35762214 (2022)) and as well as in reportedly healthy individuals (PMID: 26315354 (2015), 3471991 (2021), see also LOVD). A published functional study suggests that there may be a transient and unstable component of PALB2-BRCA2 interaction due to this variant but showed that stable interactions of PALB2 with other binding partners and homologous recombination repair (HRR) activity were not affected (PMID: 35762214 (2022)). The frequency of this variant in the general population, 0.000008 (2/251406 chromosomes (Genome Aggregation Database)), is uninformative in the assessment of its pathogenicity. Analysis of this variant using bioinformatics tools for the prediction of the effect of amino acid changes on protein structure and function yielded predictions that this variant is benign. Based on the available information, we are unable to determine the clinical significance of this variant.

Baylor Genetics
Classification: Uncertain significance for Familial cancer of breast. Last evaluated: 2023-10-30. Review status: criteria provided, single submitter. Criteria: ACMG Guidelines, 2015. Collection method: clinical testing. Allele origin: unknown.

Myriad Genetics, Inc.
Classification: Uncertain significance for Familial cancer of breast. Last evaluated: 2023-03-30. Review status: criteria provided, single submitter. Criteria: Myriad Autosomal Dominant, Autosomal Recessive and X-Linked Classification Criteria (2023). Collection method: clinical testing. Allele origin: unknown.
Comment: This variant is classified as a variant of uncertain significance as there is insufficient evidence to determine its impact on protein function and/or cancer risk.

Sema4
Classification: Uncertain significance for Hereditary cancer-predisposing syndrome. Last evaluated: 2022-01-12. Review status: criteria provided, single submitter. Criteria: Sema4 Curation Guidelines. Collection method: curation. Allele origin: germline.
Comment: The PALB2 c.3103A>G (p.I1035V) variant has been reported in individuals with endometrial carcinoma, ovarian cancer as wells as in controls (PMID: 27443514, 32546565). Additionally, it was observed in a large case-control study in 1/60466 breast cancer cases and 1/53461 controls (PMID: 33471991). It was observed in 2/34586 chromosomes of the Latino subpopulation in the large and broad cohorts of the Genome Aggregation Database (PMID: 32461654). The variant has been reported in ClinVar (Variation ID 216750). In silico tools suggest the impact of the variant on protein function is benign though these predictions have not been confirmed by functional studies. The evidence is insufficient to meet ACMG/AMP criteria for classifying the variant as benign or pathogenic. Thus, the clinical significance of this variant is currently uncertain.

GeneDx
Classification: Uncertain significance. Last evaluated: 2021-12-20. Review status: criteria provided, single submitter. Criteria: GeneDx Variant Classification Process June 2021. Collection method: clinical testing. Allele origin: germline. Affected: yes.
Comment: Not observed at significant frequency in large population cohorts (Lek et al., 2016); In silico analysis supports that this missense variant does not alter protein structure/function; This variant is associated with the following publications: (PMID: 27443514, 26315354, 24485656, 19609323, 20871615)

Color Diagnostics, LLC DBA Color Health
Classification: Likely benign for Hereditary cancer-predisposing syndrome. Last evaluated: 2015-04-24. Review status: criteria provided, single submitter. Criteria: ACMG Guidelines, 2015. Collection method: clinical testing. Allele origin: germline.

Integrative Tumor Epidemiology Branch, National Institutes of Health
Classification: Uncertain significance for Chordoma. Last evaluated: 2021-03-22. Review status: no assertion criteria provided. Collection method: research. Allele origin: germline. Affected: yes. Observed: 1 variant allele. Not counted in ClinVar's aggregate classification.
Comment: Modestly reduce BRCA2 binding, no effect on HRR activity

Counsyl
Classification: Uncertain significance for Familial cancer of breast. Last evaluated: 2017-12-19. Review status: no assertion criteria provided. Collection method: clinical testing. Allele origin: unknown. Not counted in ClinVar's aggregate classification.

Literature cited by the submitters: PubMed 27443514 (cited by 5 submitters); PubMed 34284872 (cited by Labcorp Genetics (formerly Invitae), Labcorp and Quest Diagnostics Nichols Institute San Juan Capistrano); PubMed 35762214 (cited by Labcorp Genetics (formerly Invitae), Labcorp and Quest Diagnostics Nichols Institute San Juan Capistrano); PubMed 32546565 (cited by 3 submitters); PubMed 33471991 (cited by 3 submitters); PubMed 26315354 (cited by Quest Diagnostics Nichols Institute San Juan Capistrano and Counsyl).

NM_024675.4(PALB2):c.3103A>G (p.Ile1035Val)

Gene: PALB2 (partner and localizer of BRCA2; minus strand). Cytogenetic location: 16p12.2.
Variant type: single nucleotide variant.
Coding change: c.3103A>G on transcript NM_024675.4 (MANE Select); coding-DNA position 3103, A replaced by G.
Protein change: p.Ile1035Val; replaces isoleucine 1035 with valine.
Molecular consequence: missense variant.
Genome position (GRCh38, 1-based): chr16:23,621,372, T>C on the plus strand (A>G on the coding strand, the complement: PALB2 is on the minus strand). VCF-style: chr16-23621372-T-C. GRCh37 (hg19) VCF-style: chr16-23632693-T-C.
Other names: short protein forms I1035V.
Identifiers: ClinVar variation 216750 (VCV000216750.26), dbSNP rs863224783, ClinGen allele CA336715.